The following is an entry in ClinVar:

NM_001031725.6(DDX59):c.1253G>A (p.Arg418His)

Gene: DDX59 (DEAD-box helicase 59; minus strand). Cytogenetic location: 1q32.1.
Variant type: single nucleotide variant.
Coding change: c.1253G>A on transcript NM_001031725.6 (MANE Select); coding-DNA position 1253, G replaced by A.
Protein change: p.Arg418His; replaces arginine 418 with histidine.
Molecular consequence: missense variant. On other transcripts: intron variant (3).
Genome position (GRCh38, 1-based): chr1:200,650,486, C>T on the plus strand (G>A on the coding strand, the complement: DDX59 is on the minus strand). VCF-style: chr1-200650486-C-T. GRCh37 (hg19) VCF-style: chr1-200619614-C-T.
Other names: c.1253G>A, p.Arg418His (NM_001320181.2, NM_001349799.3, NM_001349800.3 and 2 more transcripts); c.1063-5969G>A (NM_001349804.2); c.1063-1260G>A (NM_001349803.3); c.973-1260G>A (NM_001320182.1); c.1253G>A (NM_001031725.5); short protein forms R418H.
Identifiers: ClinVar variation 1664875 (VCV001664875.10), dbSNP rs78882239, ClinGen allele CA1318325.

ClinVar aggregate classification (germline): Likely benign. Review status: criteria provided, single submitter (1 of 4 stars). 2 submissions from 2 submitters: Likely benign (1). 1 of the submissions does not count toward it. Last evaluated 2026-01-14.

Conditions:
DDX59-related disorder. Also called: DDX59-related condition.

Allele frequency attached by ClinVar (database versions not stated): 1000 Genomes Project 0.00060; 1000 Genomes Project 30x 0.00078; gnomAD 0.00116 and 0.00117; TOPMed 0.00120; ESP Exome Variant Server 0.00238.
gnomAD v4.1: 2,699 of 1,613,922 alleles (0.17%); highest among the groups gnomAD compares: South Asian, 0.21%; 4 homozygotes.

Submissions (2):

Labcorp Genetics (formerly Invitae), Labcorp
Classification: Likely benign. Last evaluated: 2026-01-14. Review status: criteria provided, single submitter. Criteria: Invitae Variant Classification Sherloc (09022015). Collection method: clinical testing. Allele origin: germline.

PreventionGenetics, part of Exact Sciences
Classification: Likely benign for DDX59-related condition. Last evaluated: 2022-02-03. Review status: no assertion criteria provided. Collection method: clinical testing. Allele origin: germline. Not counted in ClinVar's aggregate classification.
Comment: This variant is classified as likely benign based on ACMG/AMP sequence variant interpretation guidelines (Richards et al. 2015 PMID: 25741868, with internal and published modifications).